The following is an entry in ClinVar:

NM_001148.6(ANK2):c.1645C>T (p.Leu549=)

Gene: ANK2 (ankyrin 2; plus strand). Cytogenetic location: 4q26.
Variant type: single nucleotide variant.
Coding change: c.1645C>T on transcript NM_001148.6 (MANE Select); coding-DNA position 1645, C replaced by T.
Protein change: p.Leu549=; no amino-acid change (leucine 549 retained).
Molecular consequence: synonymous variant.
Genome position (GRCh38, 1-based): chr4:113,274,611, C>T. VCF-style: chr4-113274611-C-T. GRCh37 (hg19) VCF-style: chr4-114195767-C-T.
Other names: c.1582C>T, p.Leu528= (NM_001127493.3, NM_001354239.2, NM_001354243.2 and 14 more transcripts); c.1645C>T, p.Leu549= (NM_001354225.2, NM_001354228.2, NM_001354232.2 and 8 more transcripts); c.1690C>T, p.Leu564= (NM_001354230.2, NM_001354231.2, NM_001354237.2 and 5 more transcripts); c.1558C>T, p.Leu520= (NM_001354249.2, NM_001354260.2, NM_001354264.2 and 13 more transcripts); c.1603C>T, p.Leu535= (NM_001354261.2, NM_001386147.1, NM_001386160.1); c.1435C>T, p.Leu479= (NM_001354269.3); c.1447C>T, p.Leu483= (NM_001354273.2); c.1360C>T, p.Leu454= (NM_001354277.2, NM_001386157.1, NM_001386158.1); and 4 more.
Identifiers: ClinVar variation 1777136 (VCV001777136.6), dbSNP rs576163042, ClinGen allele CA3050329.

ClinVar aggregate classification (germline): Conflicting classifications of pathogenicity. Review status: criteria provided, conflicting classifications (1 of 4 stars). 3 submissions from 3 submitters: Uncertain significance (1); Likely benign (2). Last evaluated 2024-10-17.

Conditions:
Long QT syndrome (LQTS). Identifiers: MedGen C0023976, MeSH D008133, MONDO:0002442. Disease mechanism: loss of function. Inheritance: Various modes of inheritance.
Cardiovascular phenotype. Identifiers: MedGen CN230736.

Allele frequency attached by ClinVar (database versions not stated): TOPMed 0.00001.
gnomAD v4.1: 21 of 1,614,102 alleles (0.0013%); highest among the groups gnomAD compares: Non-Finnish European, 0.0014%; no homozygotes.

Submissions (3):

GeneDx
Classification: Uncertain significance. Last evaluated: 2024-10-17. Review status: criteria provided, single submitter. Criteria: GeneDx Variant Classification Process June 2021. Collection method: clinical testing. Allele origin: germline. Affected: yes.
Comment: Has not been previously published as pathogenic or benign to our knowledge; Not observed at significant frequency in large population cohorts (gnomAD); In silico analysis indicates that this variant does not alter splicing

Labcorp Genetics (formerly Invitae), Labcorp
Classification: Likely benign for Long QT syndrome. Last evaluated: 2024-01-16. Review status: criteria provided, single submitter. Criteria: Invitae Variant Classification Sherloc (09022015). Collection method: clinical testing. Allele origin: germline.

Ambry Genetics
Classification: Likely benign for Cardiovascular phenotype. Last evaluated: 2022-05-30. Review status: criteria provided, single submitter. Criteria: Ambry Variant Classification Scheme 2023. Collection method: clinical testing. Allele origin: germline.